The following is an entry in ClinVar:

ClinVar aggregate classification (germline): Benign (1 of 4 stars; one submission).

Allele frequency attached by ClinVar (database versions not stated): gnomAD 0.00025; TOPMed 0.00032; 1000 Genomes Project 0.00120; 1000 Genomes Project 30x 0.00125.

Submission:

CeGaT Center for Human Genetics Tuebingen
Classification: Benign. Last evaluated: 2022-09-01. Review status: criteria provided, single submitter. Criteria: CeGaT Center For Human Genetics Tuebingen Variant Classification Criteria Version 2. Collection method: clinical testing. Allele origin: germline. Affected: yes. Observed: 1 variant allele.
Comment: CAMTA1: BS1, BS2

NM_015215.4(CAMTA1):c.439-97670T>C

Genes: CAMTA1 (calmodulin binding transcription activator 1; plus strand), CAMTA1-IT1 (CAMTA1 intronic transcript 1; plus strand). Cytogenetic location: 1p36.23.
Variant type: single nucleotide variant.
Coding change: c.439-97670T>C on transcript NM_015215.4 (MANE Select); 97670 bases into the intron before coding-DNA position 439, T replaced by C.
Molecular consequence: intron variant.
Genome position (GRCh38, 1-based): chr1:7,370,160, T>C. VCF-style: chr1-7370160-T-C. GRCh37 (hg19) VCF-style: chr1-7430221-T-C.
Other names: c.439-97670T>C (NM_001349609.2, NM_001349610.2, NM_001410737.1); c.438+120534T>C (NM_001410738.1); c.349-97670T>C (NM_001349608.2, NM_001349612.2).
Identifiers: ClinVar variation 2638131 (VCV002638131.24), dbSNP rs536529755, ClinGen allele CA17606867.